The following is an entry in ClinVar:

ClinVar aggregate classification (germline): Benign/Likely benign. Review status: criteria provided, multiple submitters, no conflicts (2 of 4 stars). 2 submissions from 2 submitters: Benign (1); Likely benign (1). Last evaluated 2025-12-13.

Allele frequency attached by ClinVar (database versions not stated): ESP Exome Variant Server 0.00015.
gnomAD v4.1: 138 of 1,613,594 alleles (0.0086%); highest among the groups gnomAD compares: South Asian, 0.013%; no homozygotes.

Submissions (2):

Labcorp Genetics (formerly Invitae), Labcorp
Classification: Benign. Last evaluated: 2025-12-13. Review status: criteria provided, single submitter. Criteria: Invitae Variant Classification Sherloc (09022015). Collection method: clinical testing. Allele origin: germline.

CeGaT Center for Human Genetics Tuebingen
Classification: Likely benign. Last evaluated: 2022-07-01. Review status: criteria provided, single submitter. Criteria: CeGaT Center For Human Genetics Tuebingen Variant Classification Criteria Version 2. Collection method: clinical testing. Allele origin: germline. Affected: yes. Observed: 1 variant allele.
Comment: PGAP3: BP4, BP7

NM_033419.5(PGAP3):c.333G>A (p.Ser111=)

Gene: PGAP3 (post-GPI attachment to proteins phospholipase 3; minus strand). Cytogenetic location: 17q12.
Variant type: single nucleotide variant.
Coding change: c.333G>A on transcript NM_033419.5 (MANE Select); coding-DNA position 333, G replaced by A.
Protein change: p.Ser111=; no amino-acid change (serine 111 retained).
Molecular consequence: synonymous variant. On other transcripts: intron variant (1).
Genome position (GRCh38, 1-based): chr17:39,684,696, C>T on the plus strand (G>A on the coding strand, the complement: PGAP3 is on the minus strand). VCF-style: chr17-39684696-C-T. GRCh37 (hg19) VCF-style: chr17-37840949-C-T.
Other names: c.333G>A, p.Ser111= (NM_001291728.2, NM_001291730.2, NM_001291732.2 and 1 more transcripts); c.279+1226G>A (NM_001291726.2).
Identifiers: ClinVar variation 1701320 (VCV001701320.36), dbSNP rs143327410, ClinGen allele CA8533392.